The following is an entry in ClinVar:

NM_001393662.1(VCX):c.271C>T (p.Pro91Ser)

Gene: VCX (variable charge X-linked; plus strand). Cytogenetic location: Xp22.31.
Variant type: single nucleotide variant.
Coding change: c.271C>T on transcript NM_001393662.1 (MANE Select); coding-DNA position 271, C replaced by T.
Protein change: p.Pro91Ser; replaces proline 91 with serine.
Molecular consequence: missense variant.
Genome position (GRCh38, 1-based): chrX:7,843,666, C>T. VCF-style: chrX-7843666-C-T. GRCh37 (hg19) VCF-style: chrX-7811707-C-T.
Other names: c.271C>T, p.Pro91Ser (NM_013452.3); short protein forms P91S.
Identifiers: ClinVar variation 5038730 (VCV005038730.1).

ClinVar aggregate classification (germline): Likely benign (1 of 4 stars; one submission).

Submission:

CeGaT Center for Human Genetics Tuebingen
Classification: Likely benign. Last evaluated: 2026-07-01. Review status: criteria provided, single submitter. Criteria: CeGaT Center For Human Genetics Tuebingen Variant Classification Criteria Version 2. Collection method: clinical testing. Allele origin: germline. Affected: yes. Observed: 1 variant allele.
Comment: VCX: BP4